The following is an entry in ClinVar:

NM_001621.5(AHR):c.7A>G (p.Ser3Gly)

Gene: AHR (aryl hydrocarbon receptor; plus strand). Cytogenetic location: 7p21.1.
Variant type: single nucleotide variant.
Coding change: c.7A>G on transcript NM_001621.5 (MANE Select); coding-DNA position 7, A replaced by G.
Protein change: p.Ser3Gly; replaces serine 3 with glycine.
Molecular consequence: missense variant.
Genome position (GRCh38, 1-based): chr7:17,299,271, A>G. VCF-style: chr7-17299271-A-G. GRCh37 (hg19) VCF-style: chr7-17338895-A-G.
Other names: short protein forms S3G.
Identifiers: ClinVar variation 1036768 (VCV001036768.8), dbSNP rs1781928345, ClinGen allele CA367004863.

ClinVar aggregate classification (germline): Uncertain significance (1 of 4 stars; one submission).

Submission:

Labcorp Genetics (formerly Invitae), Labcorp
Classification: Uncertain significance. Last evaluated: 2021-04-24. Review status: criteria provided, single submitter. Criteria: Invitae Variant Classification Sherloc (09022015). Collection method: clinical testing. Allele origin: germline.
Comment: This sequence change replaces serine with glycine at codon 3 of the AHR protein (p.Ser3Gly). The serine residue is weakly conserved and there is a small physicochemical difference between serine and glycine. In summary, the available evidence is currently insufficient to determine the role of this variant in disease. Therefore, it has been classified as a Variant of Uncertain Significance. Algorithms developed to predict the effect of missense changes on protein structure and function output the following: SIFT: "Tolerated"; PolyPhen-2: "Benign"; Align-GVGD: "Class C0". The glycine amino acid residue is found in multiple mammalian species, suggesting that this missense change does not adversely affect protein function. These predictions have not been confirmed by published functional studies and their clinical significance is uncertain. This variant has not been reported in the literature in individuals with AHR-related conditions. This variant is not present in population databases (ExAC no frequency).